The following is an entry in ClinVar:

NM_000368.5(TSC1):c.1613C>G (p.Ser538Cys)

Gene: TSC1 (TSC complex subunit 1; minus strand). Cytogenetic location: 9q34.13.
Variant type: single nucleotide variant.
Coding change: c.1613C>G on transcript NM_000368.5 (MANE Select); coding-DNA position 1613, C replaced by G.
Protein change: p.Ser538Cys; replaces serine 538 with cysteine.
Molecular consequence: missense variant. On other transcripts: non-coding transcript variant (5).
Genome position (GRCh38, 1-based): chr9:132,905,965, G>C on the plus strand (C>G on the coding strand, the complement: TSC1 is on the minus strand). VCF-style: chr9-132905965-G-C. GRCh37 (hg19) VCF-style: chr9-135781352-G-C.
Other names: c.1610C>G, p.Ser537Cys (NM_001406598.1, NM_001406599.1, NM_001406603.1 and 6 more transcripts); c.1250C>G, p.Ser417Cys (NM_001406617.1, NM_001406618.1, NM_001406619.1 and 5 more transcripts); c.1247C>G, p.Ser416Cys (NM_001406620.1, NM_001406621.1, NM_001406622.1 and 2 more transcripts); c.662C>G, p.Ser221Cys (NM_001406626.1); c.659C>G, p.Ser220Cys (NM_001406627.1, NM_001406628.1); c.560C>G, p.Ser187Cys (NM_001406629.1, NM_001406630.1); c.1613C>G, p.Ser538Cys (NM_001406601.1, NM_001406602.1, NM_001406592.1 and 7 more transcripts); c.1460C>G, p.Ser487Cys (NM_001162427.2, NM_001406610.1); and 1 more; short protein forms S221C, S487C, S187C, S417C, S416C, S537C, S538C, S220C.
Identifiers: ClinVar variation 2740476 (VCV002740476.4), dbSNP rs1588310350, ClinGen allele CA375364708.
Genomic context (GRCh38, chr9:132,905,965, plus strand): 5'-GGCAGGTCTATGGGAGTAAAGGCTTGCTTTGGTGTGTCAGGCCCAAGCTTGTCCAGGGAG[G>C]AGTGTAAAGGCTCAGGGTTCACGCTGGCGCCCTGAGAACTGGAGGCTGCCGAGTGGGTCT-3'
Protein context (NP_000359.1, residues 528-548): GASVNPEPLH[Ser538Cys]SLDKLGPDTP

ClinVar aggregate classification (germline): Uncertain significance. Review status: criteria provided, multiple submitters, no conflicts (2 of 4 stars). 2 submissions from 2 submitters: Uncertain significance (2). Last evaluated 2023-12-18.

Conditions:
Hereditary cancer-predisposing syndrome. Also called: Hereditary neoplastic syndrome; Hereditary Cancer Syndrome; Neoplastic Syndromes, Hereditary; Tumor predisposition. Identifiers: Orphanet 140162, MedGen C0027672, MeSH D009386, MONDO:0015356.
Tuberous sclerosis 1 (TSC1). Identifiers: Orphanet 805, MedGen C1854465, MONDO:0008612, OMIM 191100.

Submissions (2):

Ambry Genetics
Classification: Uncertain significance for Hereditary cancer-predisposing syndrome. Last evaluated: 2023-12-18. Review status: criteria provided, single submitter. Criteria: Ambry Variant Classification Scheme 2023. Collection method: clinical testing. Allele origin: germline.
Comment: The p.S538C variant (also known as c.1613C>G), located in coding exon 13 of the TSC1 gene, results from a C to G substitution at nucleotide position 1613. The serine at codon 538 is replaced by cysteine, an amino acid with dissimilar properties. This amino acid position is conserved. In addition, the in silico prediction for this alteration is inconclusive. Since supporting evidence is limited at this time, the clinical significance of this alteration remains unclear.

Labcorp Genetics (formerly Invitae), Labcorp
Classification: Uncertain significance for Tuberous sclerosis 1. Last evaluated: 2023-07-10. Review status: criteria provided, single submitter. Criteria: Invitae Variant Classification Sherloc (09022015). Collection method: clinical testing. Allele origin: germline.
Comment: In summary, the available evidence is currently insufficient to determine the role of this variant in disease. Therefore, it has been classified as a Variant of Uncertain Significance. Advanced modeling of protein sequence and biophysical properties (such as structural, functional, and spatial information, amino acid conservation, physicochemical variation, residue mobility, and thermodynamic stability) performed at Invitae indicates that this missense variant is not expected to disrupt TSC1 protein function. This variant has not been reported in the literature in individuals affected with TSC1-related conditions. This variant is not present in population databases (gnomAD no frequency). This sequence change replaces serine, which is neutral and polar, with cysteine, which is neutral and slightly polar, at codon 538 of the TSC1 protein (p.Ser538Cys).